The following continues an entry in ClinVar:

NM_007194.4(CHEK2):c.349A>G (p.Arg117Gly)

Gene: CHEK2. ClinVar aggregate classification (germline): Pathogenic/Likely pathogenic. Pathogenic (13); Likely pathogenic (36).

Submissions 42 to 56 of 59:

Molecular Oncology Research Center, Barretos Cancer Hospital
Classification: Likely pathogenic for Hereditary breast ovarian cancer syndrome. Last evaluated: 2020-08-01. Review status: criteria provided, single submitter. Criteria: ACMG Guidelines, 2015. Collection method: research. Allele origin: germline. Affected: yes. Observed: 1 variant allele.

Department of Molecular Diagnostics, Institute of Oncology Ljubljana
Classification: Likely pathogenic for Familial cancer of breast. Last evaluated: 2020-04-02. Review status: criteria provided, single submitter. Criteria: ACMG Guidelines, 2015. Collection method: clinical testing. Allele origin: germline. Affected: yes.

GeneDx
Classification: Pathogenic. Last evaluated: 2019-12-30. Review status: criteria provided, single submitter. Criteria: GeneDx Variant Classification Process June 2021. Collection method: clinical testing. Allele origin: germline. Affected: yes.
Comment: Published functional studies demonstrate a damaging effect: reduced auto-phosphorylation, protein instability, impaired kinase activity, and loss of CHEK2-mediated DNA damage response (Wu 2006, Sodha 2006, Chrisanthar 2008, Roeb 2012, Delimitsou 2019); Case control study in Europeans suggests this variant is associated with female breast cancer (Southey 2016); Observed in many individuals with CHEK2-related cancers (Sodha 2002, Kleibl 2008, Desrichard 2011, Le Calvez-Kelm 2011, Roeb 2012, Castera 2014, Moran 2017, Pinto 2016, Lu 2019); In silico analysis supports that this missense variant has a deleterious effect on protein structure/function; Not observed at a significant frequency in large population cohorts (Lek 2016); This variant is associated with the following publications: (PMID: 12454775, 18058223, 22114986, 21244692, 22419737, 24549055, 27798748, 27553368, 30128536, 27595995, 16835864, 16982735, 18725978, 30851065, 33158149, 31447099, 31206626, 31263054, 30303537, 30676620, 31090900, 30322717, 29922827, 15095295, 12610780, 30666157, 30426508, 29659569, 29945567, 30067863, 30256826, 28125075, 29439820, 28553140, 28709830, 28503720, 28008555, 28452373, 27498913, 28082821, 26681312, 23555315, 27751358, 15488637, 15385111, 23960188, 15818573)

Knight Diagnostic Laboratories, Oregon Health and Sciences University
Classification: Likely pathogenic for Hereditary cancer-predisposing syndrome. Last evaluated: 2019-04-18. Review status: criteria provided, single submitter. Criteria: ACMG Guidelines, 2015. Collection method: clinical testing. Allele origin: germline. Observed: 1 variant allele.

Human Genome Sequencing Center Clinical Lab, Baylor College of Medicine
Classification: Pathogenic for Susceptibility to breast cancer; Susceptibility to prostate cancer. Last evaluated: 2018-10-12. Review status: criteria provided, single submitter. Criteria: ACMG Guidelines, 2015. Collection method: clinical testing. Allele origin: germline.
Comment: The c.349A>G(p.Arg117Gly) variant in the CHEK2 gene (seen 31 times in gnomAD) has been observed in multiple unrelated probands and segregated in one family with BRCA1/2 negative breast cancer (PMID 12454775, 12610780, 18058223, 27595995, 27553368, 27798748). Although not validated for clinical use, the in silico programs predict this variant to be damaging. Experimental studies are consistent with this variant resulting in disruption of CHEK2 function (PMID 16982735, 16835864, 22419737). Therefore, this c.349A>G (p.Arg117Gly) variant in the CHEK2 gene is classified as pathogenic.

Mendelics
Classification: Likely pathogenic for Familial cancer of breast. Last evaluated: 2018-07-02. Review status: criteria provided, single submitter. Criteria: Mendelics Assertion Criteria 2017. Collection method: clinical testing. Allele origin: unknown.

Illumina Laboratory Services, Illumina
Classification: Likely pathogenic for CHEK2-related cancer predisposition. Last evaluated: 2018-05-15. Review status: criteria provided, single submitter. Criteria: ICSLVariantClassificationCriteria RUGD 01 April 2020. Collection method: clinical testing. Allele origin: unknown.
Comment: The CHEK2 c.349A>G p.(Arg117Gly), also referred to c.478A>G (Arg160Gly), missense variant has been identified in individuals with a phenotype consistent with CHEK2-related cancer susceptibility. In two individuals, other pathogenic BRCA2 and CHEK2 variants were also identified (Sodha et al. 2002; Schutte et al. 2003; Le Calvez-Kelm et al. 2011; Southey et al. 2016; Susswein et al. 2016). In a large case-control study, Southey et al. (2016) showed that the p.(Arg117Gly) variant was significantly associated with breast cancer in European women (odds ratio of 2.26). In this study, odd ratios were not statistically significant for prostate cancer or ovarian cancer. The variant segregated with breast cancer in one family whereas in two families incomplete segregation was observed whereby two affected individuals did not carry the variant (Schutte et al. 2003). The highest frequency of this allele in the Genome Aggregation Database is 0.000186 in the European (non-Finnish) population (version 2.1.1). Functional studies in cells lines demonstrated reduced protein expression and stability, and impaired phosphorylation and kinase activity of the variant protein when compared to wildtype protein. However, the variant protein dimerized efficiently to wildtype CHEK2 (Sodha et al. 2006; Wu et al. 2006; Chrisanthar et al. 2008). Multiple lines of computational evidence suggest the variant may impact the gene or gene product. Based on the available evidence, the c.349A>G p.(Arg117Gly) variant is classified as likely pathogenic for CHEK2-related breast cancer susceptibility.

Center of Genomic medicine, Geneva, University Hospital of Geneva
Classification: Likely pathogenic for Familial cancer of breast. Last evaluated: 2017-03-22. Review status: criteria provided, single submitter. Criteria: ACMG Guidelines, 2015. Collection method: clinical testing. Allele origin: germline. Affected: yes.
Comment: Mutation screening in BRCA1 and BRCA2 genes gave negative results.

Zotz-Klimas Genetics Lab, MVZ Zotz Klimas
Classification: Likely pathogenic for CHEK2-related cancer predisposition. Last evaluated: 2023-10-09. Review status: no assertion criteria provided. Collection method: clinical testing. Allele origin: germline. Affected: yes. Not counted in ClinVar's aggregate classification.

Counsyl
Classification: Likely pathogenic for Familial cancer of breast. Last evaluated: 2017-02-27. Review status: no assertion criteria provided. Collection method: clinical testing. Allele origin: unknown. Not counted in ClinVar's aggregate classification.

Clinical Genetics DNA and cytogenetics Diagnostics Lab, Erasmus MC, Erasmus Medical Center
Classification: Likely pathogenic. Review status: no assertion criteria provided. Collection method: clinical testing. Allele origin: germline. Affected: yes. Study: VKGL Data-share Consensus. Not counted in ClinVar's aggregate classification.

Clinical Genetics Laboratory, Department of Pathology, Netherlands Cancer Institute
Classification: Likely pathogenic. Review status: no assertion criteria provided. Collection method: clinical testing. Allele origin: germline. Affected: yes. Study: VKGL Data-share Consensus. Not counted in ClinVar's aggregate classification.

Department of Pathology and Laboratory Medicine, Sinai Health System
Classification: Pathogenic for Malignant tumor of breast. Review status: no assertion criteria provided. Collection method: clinical testing. Allele origin: unknown. Affected: yes. Study: The Canadian Open Genetics Repository (COGR). Not counted in ClinVar's aggregate classification.
Comment: The CHEK2 p.Arg117Gly variant was identified in 55 of 88752 proband chromosomes (frequency: 0.0006) from individuals or families with hereditary breast and ovarian cancer (Desrichard 2011, Kleibl 2008, Moran 2017, Pinto 2016, Schutte 2003, Sodha 2002, Southey 2016, Wu 2006). The variant was also identified in dbSNP (ID: rs28909982) as â€šÃ„ÃºWith Pathogenic alleleâ€šÃ„Ã¹, ClinVar (as pathogenic by GeneDx and Mayo Clinic; and as likely pathogenic by Ambry Genetics, Invitae, Color Genomics, University Hospital of Geneva, and Counsyl), MutDB, and Zhejiang Colon Cancer Database (4x). The variant was not identified in the Cosmic database. The variant was identified in control databases in 31 of 276970 chromosomes at a frequency of 0.0001 (Genome Aggregation Database Feb 27, 2017). The variant was observed in the following populations: African in 2 of 24030 chromosomes (freq: 0.00008), Other in 1 of 6464 chromosomes (freq: 0.0002), Latino in 4 of 34418 chromosomes (freq: 0.0001), European in 22 of 126468 chromosomes (freq: 0.0002), Finnish in 2 of 25792 chromosomes (freq: 0.00008), while the variant was not observed in the Ashkenazi Jewish, East Asian, or South Asian populations. The p.Arg117Gly variant has been extensively studied in the literature. In vitro studies have demonstrated that the Arg117Gly variant has strongly reduced kinase activity (Chrisanthar 2008). Multiple studies found that following DNA damage with ionizing radiation, the variant protein demonstrated greatly reduced CHEK2 kinase activity (Wu 2006, Roeb 2012, Le Calvez-Kelm 2011). In addition, studies have shown that the protein encoded by this allele is phosphorylated by ATM in response to DNA damage, shows slightly to markedly reduced autophosphorylation, probably fails to oligomerize, and has severely compromised kinase activity. Sodha (2006) also concluded through bioinformatic analysis that the variant is likely to be deleterious and functional studies showed that the variant protein is less stable than the wild type protein. The p.Arg117Gly residue is conserved across mammals and other organisms, and computational analyses (PolyPhen-2, SIFT, AlignGVGD, BLOSUM, MutationTaster) suggest that the variant may impact the protein; however, this information is not predictive enough to assume pathogenicity. The variant occurs outside of the splicing consensus sequence and in silico or computational prediction software programs (SpliceSiteFinder, MaxEntScan, NNSPLICE, GeneSplicer, HumanSpliceFinder) do not predict a difference in splicing. In summary, based on the above information, this variant meets our laboratoryâ€šÃ„Ã´s criteria to be classified as pathogenic.

Diagnostic Laboratory, Department of Genetics, University Medical Center Groningen
Classification: Likely pathogenic. Review status: no assertion criteria provided. Collection method: clinical testing. Allele origin: germline. Affected: yes. Study: VKGL Data-share Consensus. Not counted in ClinVar's aggregate classification.

Genome Diagnostics Laboratory, Amsterdam University Medical Center
Classification: Likely pathogenic. Review status: no assertion criteria provided. Collection method: clinical testing. Allele origin: germline. Affected: yes. Study: VKGL Data-share Consensus. Not counted in ClinVar's aggregate classification.